The following is an entry in ClinVar:

NM_014946.4(SPAST):c.870+1G>T

Gene: SPAST (spastin; plus strand). Cytogenetic location: 2p22.3.
Variant type: single nucleotide variant.
Coding change: c.870+1G>T on transcript NM_014946.4 (MANE Select); the canonical splice donor site of the intron after coding-DNA position 870, G replaced by T.
Molecular consequence: splice donor variant.
Genome position (GRCh38, 1-based): chr2:32,114,826, G>T. VCF-style: chr2-32114826-G-T. GRCh37 (hg19) VCF-style: chr2-32339895-G-T.
Other names: c.774+1G>T (NM_199436.2, NM_001377959.1); c.867+1G>T (NM_001363823.2); c.771+1G>T (NM_001363875.2).
Identifiers: ClinVar variation 931483 (VCV000931483.16), dbSNP rs1553314978, ClinGen allele CA346498946.

ClinVar aggregate classification (germline): Pathogenic. Review status: criteria provided, multiple submitters, no conflicts (2 of 4 stars). 6 submissions from 6 submitters: Pathogenic (6). Last evaluated 2024-06-10.

Conditions:
SPAST-related disorder. Also called: SPAST-related condition.
Hereditary spastic paraplegia 4. Also called: Spastic paraplegia 4, autosomal dominant; Spastic Paraplegia 4; Familial spastic paraplegia autosomal dominant 2. Identifiers: Orphanet 100985, MedGen C1866855, MONDO:0008438, OMIM 182601.

Submissions (6):

Fulgent Genetics
Classification: Pathogenic for Hereditary spastic paraplegia 4. Last evaluated: 2024-06-10. Review status: criteria provided, single submitter. Criteria: ACMG Guidelines, 2015. Collection method: clinical testing. Allele origin: germline.

Clinical Genetics Laboratory, Skane University Hospital Lund
Classification: Pathogenic. Last evaluated: 2022-05-27. Review status: criteria provided, single submitter. Criteria: ACMG Guidelines, 2015. Collection method: clinical testing. Allele origin: germline. Affected: yes.

Victorian Clinical Genetics Services, Murdoch Childrens Research Institute
Classification: Pathogenic for Hereditary spastic paraplegia 4. Last evaluated: 2022-03-31. Review status: criteria provided, single submitter. Criteria: ACMG Guidelines, 2015. Collection method: clinical testing. Allele origin: germline. Inheritance: Autosomal dominant inheritance. Affected: yes.
Comment: Based on the classification scheme VCGS_Germline_v1.3.4, this variant is classified as Pathogenic. Following criteria are met: 0103 - Dominant negative and loss-of-function are known mechanisms of disease for this gene and are associated with spastic paraplegia 4 (MIM#182601). Multiple loss of function variants have been reported, while a dominant negative mechanism has been stipulated for a small number of missense variants (ClinVar, PMID: 30006150). (I) 0107 - This gene is associated with autosomal dominant disease. (I) 0112 - The condition associated with this gene has incomplete penetrance, but this is age-dependant and only a small proportion of individuals remain asymptomatic (PMID: 30476002). (I) 0115 - Variants in this gene are known to have variable expressivity, with variable age of onset and disease severity (PMID: 30476002). (I) 0211 - Canonical splice site variant without proven consequence on splicing (no functional evidence available). (SP) 0251 - This variant is heterozygous. (I) 0301 - Variant is absent from gnomAD (both v2 and v3). (SP) 0505 - Abnormal splicing is predicted by in silico tools and affected nucleotide is highly conserved. (SP) 0703 - Other splice region variants comparable to the one identified in this case have moderate previous evidence for pathogenicity. c.807+1G>A and c.870+3A>G have been observed in several individuals with spastic paraplegia and been classified as pathogenic by clinical laboratories in ClinVar (PMID: 25341883). (SP) 0802 - This variant has moderate previous evidence of pathogenicity in unrelated individuals. This variant has been observed in three individuals, once in a family with hereditary spastic paraplegia and twice classified as pathogenic by clinical laboratories in ClinVar (PMID: 18701882). (SP) 0905 - No published segregation evidence has been identified for this variant. (I) 1007 - No published functional evidence has been identified for this variant. (I) 1208 - Inheritance information for this variant is not currently available in this individual. (I) Legend: (SP) - Supporting pathogenic, (I) - Information, (SB) - Supporting benign

Blueprint Genetics
Classification: Pathogenic for SPAST-related disorders. Last evaluated: 2021-10-13. Review status: criteria provided, single submitter. Criteria: ACMG Guidelines, 2015. Collection method: clinical testing. Allele origin: germline. Affected: yes. Observed: 3 variant alleles.

Labcorp Genetics (formerly Invitae), Labcorp
Classification: Pathogenic for Hereditary spastic paraplegia 4. Last evaluated: 2020-05-09. Review status: criteria provided, single submitter. Criteria: Invitae Variant Classification Sherloc (09022015). Collection method: clinical testing. Allele origin: germline.
Comment: For these reasons, this variant has been classified as Pathogenic. Donor and acceptor splice site variants typically lead to a loss of protein function (PMID: 16199547), and loss-of-function variants in SPAST are known to be pathogenic (PMID: 20932283). Disruption of this splice site has been observed in individual(s) with hereditary spastic paraplegia (PMID: 18701882, 25341883, 23833562). This variant is not present in population databases (ExAC no frequency). This sequence change affects a donor splice site in intron 5 of the SPAST gene. It is expected to disrupt RNA splicing and likely results in an absent or disrupted protein product.

Centre for Mendelian Genomics, University Medical Centre Ljubljana
Classification: Pathogenic for Hereditary spastic paraplegia 4. Last evaluated: 2016-01-01. Review status: criteria provided, single submitter. Criteria: ACMG Guidelines, 2015. Collection method: clinical testing. Allele origin: unknown. Affected: yes.
Comment: This variant was classified as: Pathogenic. The following ACMG criteria were applied in classifying this variant: PVS1,PM2,PP5,PP4,PP3.

Literature cited by the submitters: PubMed 18701882 (cited by Victorian Clinical Genetics Services, Murdoch Childrens Research Institute and Labcorp Genetics (formerly Invitae), Labcorp); PubMed 25341883 (cited by Victorian Clinical Genetics Services, Murdoch Childrens Research Institute and Labcorp Genetics (formerly Invitae), Labcorp); PubMed 30006150 (cited by Victorian Clinical Genetics Services, Murdoch Childrens Research Institute); PubMed 30476002 (cited by Victorian Clinical Genetics Services, Murdoch Childrens Research Institute); PubMed 16199547 (cited by Labcorp Genetics (formerly Invitae), Labcorp); PubMed 20932283 (cited by Labcorp Genetics (formerly Invitae), Labcorp); PubMed 23833562 (cited by Labcorp Genetics (formerly Invitae), Labcorp).